The following is an entry in ClinVar:

NM_001005242.3(PKP2):c.2467T>C (p.Phe823Leu)

Gene: PKP2 (plakophilin 2; minus strand). Cytogenetic location: 12p11.21.
Variant type: single nucleotide variant.
Coding change: c.2467T>C on transcript NM_001005242.3 (MANE Select); coding-DNA position 2467, T replaced by C.
Protein change: p.Phe823Leu; replaces phenylalanine 823 with leucine.
Molecular consequence: missense variant. On other transcripts: synonymous variant (2).
Genome position (GRCh38, 1-based): chr12:32,792,471, A>G on the plus strand (T>C on the coding strand, the complement: PKP2 is on the minus strand). VCF-style: chr12-32792471-A-G. GRCh37 (hg19) VCF-style: chr12-32945405-A-G.
Other names: c.2277T>C, p.Ile759= (NM_001407155.1); c.2302T>C, p.Phe768Leu (NM_001407156.1); c.2140T>C, p.Phe714Leu (NM_001407158.1, NM_001407159.1); c.1950T>C, p.Ile650= (NM_001407160.1); c.2599T>C, p.Phe867Leu (NM_004572.4); short protein forms F714L, F768L, F823L, F867L.
Identifiers: ClinVar variation 3224322 (VCV003224322.1), dbSNP rs1956077874, ClinGen allele CA384356766.

ClinVar aggregate classification (germline): Uncertain significance (1 of 4 stars; one submission).

Conditions:
Cardiovascular phenotype. Identifiers: MedGen CN230736.

Allele frequency attached by ClinVar (database versions not stated): gnomAD exomes below 0.00001.
gnomAD v4.1: 2 of 1,613,928 alleles (0.00012%); highest among the groups gnomAD compares: Non-Finnish European, 0.00017%; no homozygotes.

Submission:

Ambry Genetics
Classification: Uncertain significance for Cardiovascular phenotype. Last evaluated: 2023-11-21. Review status: criteria provided, single submitter. Criteria: Ambry Variant Classification Scheme 2023. Collection method: clinical testing. Allele origin: germline.
Comment: The p.F867L variant (also known as c.2599T>C), located in coding exon 14 of the PKP2 gene, results from a T to C substitution at nucleotide position 2599. The phenylalanine at codon 867 is replaced by leucine, an amino acid with highly similar properties. This amino acid position is conserved. In addition, this alteration is predicted to be deleterious by in silico analysis. Since supporting evidence is limited at this time, the clinical significance of this alteration remains unclear.